The following is an entry in ClinVar:

ClinVar aggregate classification (germline): Pathogenic (1 of 4 stars; one submission).

Conditions:
Autosomal recessive severe congenital neutropenia due to G6PC3 deficiency. Also called: NEUTROPENIA, SEVERE CONGENITAL, 4, AUTOSOMAL RECESSIVE; G6PC3 Deficiency. Identifiers: Orphanet 331176, MedGen C2751630, MONDO:0012930, OMIM 612541.

Submission:

Labcorp Genetics (formerly Invitae), Labcorp
Classification: Pathogenic for Autosomal recessive severe congenital neutropenia due to G6PC3 deficiency. Last evaluated: 2023-05-23. Review status: criteria provided, single submitter. Criteria: Invitae Variant Classification Sherloc (09022015). Collection method: clinical testing. Allele origin: germline.
Comment: For these reasons, this variant has been classified as Pathogenic. This variant has not been reported in the literature in individuals affected with G6PC3-related conditions. This variant is not present in population databases (gnomAD no frequency). This sequence change creates a premature translational stop signal (p.Trp21*) in the G6PC3 gene. It is expected to result in an absent or disrupted protein product. Loss-of-function variants in G6PC3 are known to be pathogenic (PMID: 19118303, 25491320).

Literature cited by the submitters: PubMed 19118303; PubMed 25491320.

NM_138387.4(G6PC3):c.63G>A (p.Trp21Ter)

Genes: G6PC3 (glucose-6-phosphatase catalytic subunit 3; plus strand), LOC130060959 (ATAC-STARR-seq lymphoblastoid active region 12250; plus strand). Cytogenetic location: 17q21.31.
Variant type: single nucleotide variant.
Coding change: c.63G>A on transcript NM_138387.4 (MANE Select); coding-DNA position 63, G replaced by A.
Protein change: p.Trp21Ter; replaces tryptophan 21 with a stop codon.
Molecular consequence: nonsense. On other transcripts: 5 prime UTR variant (3), intron variant (1).
Genome position (GRCh38, 1-based): chr17:44,071,028, G>A. VCF-style: chr17-44071028-G-A. GRCh37 (hg19) VCF-style: chr17-42148396-G-A.
Other names: c.63G>A, p.Trp21Ter (NM_001319945.2); c.-342G>A (NM_001384165.1); c.-477G>A (NM_001384166.1); c.-467G>A (NM_001384167.1); c.-312+314G>A (NM_001384168.1); short protein forms W21*.
Identifiers: ClinVar variation 2750293 (VCV002750293.3), dbSNP rs2509357401, ClinGen allele CA399745753.